The following is an entry in ClinVar:

NM_024408.4(NOTCH2):c.6670_6700del (p.Leu2224fs)

Gene: NOTCH2 (notch receptor 2; minus strand). Cytogenetic location: 1p12.
Variant type: Deletion.
Coding change: c.6670_6700del on transcript NM_024408.4 (MANE Select); coding-DNA positions 6670 to 6700, 31 bases deleted.
Protein change: p.Leu2224fs; shifts the reading frame from leucine 2224.
Molecular consequence: frameshift variant.
Genome position (GRCh38, 1-based): chr1:119,916,022-119,916,052, 31 bases deleted; deleting any 31 consecutive bases within chr1:119,916,022-119,916,056 gives the same sequence; the c. name uses the placement nearest the transcript's 3' end. GRCh37 (hg19): chr1:120,458,649-120,458,679.
Other names: short protein forms L2224fs.
Identifiers: ClinVar variation 5002720 (VCV005002720.1).

ClinVar aggregate classification (germline): Uncertain significance (1 of 4 stars; one submission).

Submission:

OLLIN Analises Genomicas, OLLIN
Classification: Uncertain significance. Last evaluated: 2026-08-06. Review status: criteria provided, single submitter. Criteria: ACMG Guidelines 2015 PMID 25741868. Collection method: clinical testing. Allele origin: germline.
Comment: This frameshift variant, located in exon 34 (of 34), is absent from gnomAD and ClinVar and has not been identified in the literature. This variant causes a frameshift and introduces a premature stop codon, which is predicted to result in either a truncated protein or degradation of the mRNA via nonsense-mediated decay (NMD). According to the currently available evidence, this variant has been classified as uncertain significance (PVS1_M, PM2_P).